The following is an entry in ClinVar:

NM_002474.3(MYH11):c.3294-115G>A

Gene: MYH11 (myosin heavy chain 11; minus strand). Cytogenetic location: 16p13.11.
Variant type: single nucleotide variant.
Coding change: c.3294-115G>A on transcript NM_002474.3 (MANE Select); 115 bases into the intron before coding-DNA position 3294, G replaced by A.
Molecular consequence: intron variant.
Genome position (GRCh38, 1-based): chr16:15,735,693, C>T on the plus strand (G>A on the coding strand, the complement: MYH11 is on the minus strand). VCF-style: chr16-15735693-C-T. GRCh37 (hg19) VCF-style: chr16-15829550-C-T.
Other names: c.3294-115G>A (NM_022844.3); c.3315-115G>A (NM_001040114.2, NM_001040113.2).
Identifiers: ClinVar variation 675408 (VCV000675408.2), dbSNP rs111370117, ClinGen allele CA278621664.

ClinVar aggregate classification (germline): Benign. Review status: criteria provided, multiple submitters, no conflicts (2 of 4 stars). 2 submissions from 2 submitters: Benign (2). Last evaluated 2018-06-16.

Allele frequency attached by ClinVar (database versions not stated): gnomAD 0.02267 and 0.02427; TOPMed 0.02509; 1000 Genomes Project 0.02716; 1000 Genomes Project 30x 0.02717.
gnomAD v4.1: 5,359 of 960,336 alleles (0.56%); highest among the groups gnomAD compares: African/African-American, 7.7%; 204 homozygotes.

Submissions (2):

GeneDx
Classification: Benign. Last evaluated: 2018-06-16. Review status: criteria provided, single submitter. Criteria: GeneDx Variant Classification (06012015). Collection method: clinical testing. Allele origin: germline. Affected: yes.
Comment: This variant is considered likely benign or benign based on one or more of the following criteria: it is a conservative change, it occurs at a poorly conserved position in the protein, it is predicted to be benign by multiple in silico algorithms, and/or has population frequency not consistent with disease.

Breakthrough Genomics
Classification: Benign. Review status: criteria provided, single submitter. Criteria: ACMG Guidelines, 2015. Collection method: not provided. Allele origin: germline. Inheritance: Autosomal recessive inheritance. Affected: yes.